The following is an entry in ClinVar:

ClinVar aggregate classification (germline): Pathogenic. Review status: criteria provided, multiple submitters, no conflicts (2 of 4 stars). 2 submissions from 2 submitters: Pathogenic (2). Last evaluated 2021-07-15.

Conditions:
Hereditary breast ovarian cancer syndrome. Also called: Hereditary breast and ovarian cancer; Hereditary breast and/or ovarian cancer syndrome; Hereditary breast and ovarian cancer syndrome; Hereditary breast and ovarian cancer syndrome (HBOC); Breast and ovarian cancer; BRCA1- and BRCA2-Associated Hereditary Breast and Ovarian Cancer. Identifiers: Orphanet 145, MedGen C0677776, MeSH D061325, MONDO:0003582. Disease mechanism: loss of function.

Submissions (2):

GeneDx
Classification: Pathogenic. Last evaluated: 2021-07-15. Review status: criteria provided, single submitter. Criteria: GeneDx Variant Classification Process June 2021. Collection method: clinical testing. Allele origin: germline. Affected: yes.
Comment: Frameshift variant predicted to result in protein truncation or nonsense mediated decay in a gene for which loss-of-function is a known mechanism of disease; Not observed in large population cohorts (Lek 2016); Truncating variants in this gene are considered pathogenic by a well-established clinical consortium and/or database; Has not been previously published as pathogenic or benign to our knowledge; Also known as 1716_1725del10; This variant is associated with the following publications: (PMID: 27535533)

Labcorp Genetics (formerly Invitae), Labcorp
Classification: Pathogenic for Hereditary breast ovarian cancer syndrome. Last evaluated: 2019-11-08. Review status: criteria provided, single submitter. Criteria: Invitae Variant Classification Sherloc (09022015). Collection method: clinical testing. Allele origin: germline.
Comment: This sequence change creates a premature translational stop signal (p.Asn533Leufs*10) in the BRCA1 gene. It is expected to result in an absent or disrupted protein product. For these reasons, this variant has been classified as Pathogenic. Loss-of-function variants in BRCA1 are known to be pathogenic (PMID: 20104584). This variant has not been reported in the literature in individuals with BRCA1-related conditions. This variant is not present in population databases (ExAC no frequency).

Literature cited by the submitters: PubMed 20104584 (cited by Labcorp Genetics (formerly Invitae), Labcorp).

NM_007294.4(BRCA1):c.1597_1606del (p.Asn533fs)

Gene: BRCA1 (BRCA1 DNA repair associated; minus strand). Cytogenetic location: 17q21.31.
Variant type: Deletion.
Coding change: c.1597_1606del on transcript NM_007294.4 (MANE Select); coding-DNA positions 1597 to 1606, 10 bases deleted (AATCAGGGAA; older notation c.1597_1606delAATCAGGGAA).
Protein change: p.Asn533fs; shifts the reading frame from asparagine 533.
Molecular consequence: frameshift variant. On other transcripts: intron variant (137).
Genome position (GRCh38, 1-based): chr17:43,093,925-43,093,934, TTCCCTGATT deleted on the plus strand (AATCAGGGAA on the coding strand, the reverse complement: BRCA1 is on the minus strand); deleting any 10 consecutive bases within chr17:43,093,925-43,093,935 gives the same sequence; the c. name uses the placement nearest the transcript's 3' end. VCF-style (leftmost placement, unchanged base first): chr17-43093924-GTTCCCTGATT-G. GRCh37 (hg19) VCF-style: chr17-41245941-GTTCCCTGATT-G.
Other names: c.1384_1393del, p.Asn462fs (NM_001407571.1, NM_001407853.1, NM_001407894.1 and 9 more transcripts); c.1597_1606del, p.Asn533fs (NM_001407581.1, NM_001407582.1, NM_001407583.1 and 30 more transcripts); c.1594_1603del, p.Asn532fs (NM_001407587.1, NM_001407590.1, NM_001407591.1 and 22 more transcripts); c.1588_1597del, p.Asn530fs (NM_001407646.1, NM_001407647.1); c.1474_1483del, p.Asn492fs (NM_001407648.1, NM_001407664.1, NM_001407665.1 and 19 more transcripts); c.1471_1480del, p.Asn491fs (NM_001407649.1, NM_001407670.1, NM_001407671.1 and 11 more transcripts); c.1519_1528del, p.Asn507fs (NM_001407653.1, NM_001407654.1, NM_001407655.1 and 4 more transcripts); c.1516_1525del, p.Asn506fs (NM_001407659.1, NM_001407660.1, NM_001407661.1 and 1 more transcripts); and 41 more; short protein forms N486fs, N533fs, N530fs, N365fs, N445fs, N485fs, N491fs, N237fs.
Identifiers: ClinVar variation 968196 (VCV000968196.11), dbSNP rs2053913899, ClinGen allele CA1139664793.